The following is an entry in ClinVar:

NM_173531.4(ZNF100):c.801G>C (p.Gly267=)

Gene: ZNF100 (zinc finger protein 100; minus strand). Cytogenetic location: 19p12.
Variant type: single nucleotide variant.
Coding change: c.801G>C on transcript NM_173531.4 (MANE Select); coding-DNA position 801, G replaced by C.
Protein change: p.Gly267=; no amino-acid change (glycine 267 retained).
Molecular consequence: synonymous variant.
Genome position (GRCh38, 1-based): chr19:21,727,511, C>G on the plus strand (G>C on the coding strand, the complement: ZNF100 is on the minus strand). VCF-style: chr19-21727511-C-G. GRCh37 (hg19) VCF-style: chr19-21910313-C-G.
Other names: c.798G>C, p.Gly266= (NM_001351669.2); c.702G>C, p.Gly234= (NM_001351670.2); c.498G>C, p.Gly166= (NM_001351671.2); c.156G>C, p.Gly52= (NM_001351672.2).
Identifiers: ClinVar variation 2649631 (VCV002649631.24), dbSNP rs751670362, ClinGen allele CA9340536.
Genomic context (GRCh38, chr19:21,727,511, plus strand): 5'-TTTCTCTCCAGTATGAATTATCTTATGTGTAGTAAGGTGTGAGGACCGGTTAAATGCTTT[C>G]CCACATTCTTCACATTTGTAGGGTTTCTCTCCAGTATGAATTCTCCTGTGTGTAGTAAGG-3'
Protein context (NP_775802.2, residues 257-277): GEKPYKCEEC[Gly267=]KAFNRSSHLT

ClinVar aggregate classification (germline): Likely benign (1 of 4 stars; one submission).

Allele frequency attached by ClinVar (database versions not stated): ExAC 0.00005.

Submission:

CeGaT Center for Human Genetics Tuebingen
Classification: Likely benign. Last evaluated: 2026-08-01. Review status: criteria provided, single submitter. Criteria: CeGaT Center For Human Genetics Tuebingen Variant Classification Criteria Version 2. Collection method: clinical testing. Allele origin: germline. Affected: yes. Observed: 5 variant alleles.
Comment: ZNF100: BP4, BP7